The following is an entry in ClinVar:

ClinVar aggregate classification (germline): Uncertain significance (1 of 4 stars; one submission).

Submission:

Ambry Genetics
Classification: Uncertain significance. Last evaluated: 2024-10-28. Review status: criteria provided, single submitter. Criteria: Ambry Variant Classification Scheme 2023. Collection method: clinical testing. Allele origin: germline.
Comment: The p.E63G variant (also known as c.188A>G), located in coding exon 1 of the PALLD gene, results from an A to G substitution at nucleotide position 188. The glutamic acid at codon 63 is replaced by glycine, an amino acid with similar properties. This amino acid position is conserved. In addition, this alteration is predicted to be tolerated by in silico analysis. Based on the available evidence, the clinical significance of this variant remains unclear.

NM_001166108.2(PALLD):c.188A>G (p.Glu63Gly)

Gene: PALLD (palladin, cytoskeletal associated protein; plus strand). Cytogenetic location: 4q32.3.
Variant type: single nucleotide variant.
Coding change: c.188A>G on transcript NM_001166108.2 (MANE Select); coding-DNA position 188, A replaced by G.
Protein change: p.Glu63Gly; replaces glutamic acid 63 with glycine.
Molecular consequence: missense variant.
Genome position (GRCh38, 1-based): chr4:168,511,692, A>G. VCF-style: chr4-168511692-A-G. GRCh37 (hg19) VCF-style: chr4-169432843-A-G.
Other names: c.188A>G, p.Glu63Gly (NM_016081.4); short protein forms E63G.
Identifiers: ClinVar variation 3413652 (VCV003413652.1).